The following is an entry in ClinVar:

NM_002700.3(POU4F3):c.597C>G (p.Ile199Met)

Genes: POU4F3 (POU class 4 homeobox 3; plus strand), RBM27-POU4F3 (RBM27-POU4F3 readthrough; plus strand). Cytogenetic location: 5q32.
Variant type: single nucleotide variant.
Coding change: c.597C>G on transcript NM_002700.3 (MANE Select); coding-DNA position 597, C replaced by G.
Protein change: p.Ile199Met; replaces isoleucine 199 with methionine.
Molecular consequence: missense variant. On other transcripts: 3 prime UTR variant (1).
Genome position (GRCh38, 1-based): chr5:146,340,024, C>G. VCF-style: chr5-146340024-C-G. GRCh37 (hg19) VCF-style: chr5-145719587-C-G.
Other names: c.*466C>G (NM_001414499.1); short protein forms I199M.
Identifiers: ClinVar variation 4741581 (VCV004741581.1).

ClinVar aggregate classification (germline): Uncertain significance (1 of 4 stars; one submission).

gnomAD v4.1: 1 of 1,613,972 alleles (0.000062%); highest among the groups gnomAD compares: Non-Finnish European, 0.000085%; no homozygotes.

Submission:

Labcorp Genetics (formerly Invitae), Labcorp
Classification: Uncertain significance. Last evaluated: 2025-03-18. Review status: criteria provided, single submitter. Criteria: Invitae Variant Classification Sherloc (09022015). Collection method: clinical testing. Allele origin: germline.
Comment: This sequence change replaces isoleucine, which is neutral and non-polar, with methionine, which is neutral and non-polar, at codon 199 of the POU4F3 protein (p.Ile199Met). This variant is not present in population databases (gnomAD no frequency). This variant has not been reported in the literature in individuals affected with POU4F3-related conditions. Invitae Evidence Modeling of protein sequence and biophysical properties (such as structural, functional, and spatial information, amino acid conservation, physicochemical variation, residue mobility, and thermodynamic stability) indicates that this missense variant is expected to disrupt POU4F3 protein function with a positive predictive value of 80%. In summary, the available evidence is currently insufficient to determine the role of this variant in disease. Therefore, it has been classified as a Variant of Uncertain Significance.